The following is an entry in ClinVar:

NM_001378120.1(MBD5):c.3289G>T (p.Ala1097Ser)

Gene: MBD5 (methyl-CpG binding domain protein 5; plus strand). Cytogenetic location: 2q23.1.
Variant type: single nucleotide variant.
Coding change: c.3289G>T on transcript NM_001378120.1 (MANE Select); coding-DNA position 3289, G replaced by T.
Protein change: p.Ala1097Ser; replaces alanine 1097 with serine.
Molecular consequence: missense variant. On other transcripts: intron variant (6).
Genome position (GRCh38, 1-based): chr2:148,483,880, G>T. VCF-style: chr2-148483880-G-T. GRCh37 (hg19) VCF-style: chr2-149241449-G-T.
Other names: c.3289G>T, p.Ala1097Ser (NM_001438854.1, NM_001438856.1, NM_001438857.1 and 1 more transcripts); c.2845+444G>T (NM_018328.5, NM_001438862.1, NM_001438860.1 and 3 more transcripts); short protein forms A1097S.
Identifiers: ClinVar variation 4852681 (VCV004852681.2).

ClinVar aggregate classification (germline): Uncertain significance (1 of 4 stars; one submission).

gnomAD v4.1: 5 of 1,550,532 alleles (0.00032%); highest among the groups gnomAD compares: Non-Finnish European, 0.00044%; no homozygotes.

Submission:

Dasa
Classification: Uncertain significance. Last evaluated: 2025-11-25. Review status: criteria provided, single submitter. Criteria: DASA Assertion Criteria. Collection method: clinical testing. Allele origin: germline.
Comment: NM_001378120.1(MBD5):c.3289G>T (p.Ala1097Ser) is a missense variant that results in the substitution of alanine with serine. This variant is rare in population databases. Computational prediction algorithms are consistent with a benign effect. The currently available literature and clinical evidence are not sufficient to establish a definitive association between this variant and the reported condition. Therefore, this variant is classified as a variant of uncertain significance.